The following is an entry in ClinVar:

NM_198252.3(GSN):c.-10+906C>T

Genes: GSN (gelsolin; plus strand), GSN-AS1 (GSN antisense RNA 1; minus strand), LOC126860752 (CDK7 strongly-dependent group 2 enhancer GRCh37_chr9:124043752-124044951; plus strand). Cytogenetic location: 9q33.2.
Variant type: single nucleotide variant.
Coding change: c.-10+906C>T on transcript NM_198252.3 (MANE Select); 906 bases into the intron after 10 bases upstream of the start codon, C replaced by T.
Molecular consequence: intron variant. On other transcripts: missense variant (1), 5 prime UTR variant (5), non-coding transcript variant (1).
Genome position (GRCh38, 1-based): chr9:121,282,468, C>T. VCF-style: chr9-121282468-C-T. GRCh37 (hg19) VCF-style: chr9-124044746-C-T.
Other names: c.17C>T, p.Thr6Met (NM_001127663.2); c.-84C>T (NM_001353056.2, NM_001353059.2); c.-121C>T (NM_001353068.2, NM_001353073.2); c.-130C>T (NM_001353072.2); c.-10+906C>T (NM_001353054.1, NM_001353053.1, NM_001353060.2 and 2 more transcripts); c.-48+906C>T (NM_001353064.2, NM_001353066.2, NM_001353076.2 and 1 more transcripts); c.-2+906C>T (NM_001353058.2, NM_001353057.2); c.-39+515C>T (NM_001353065.2); and 12 more; short protein forms T6M.
Identifiers: ClinVar variation 4981693 (VCV004981693.1).
Genomic context (GRCh38, chr9:121,282,468, plus strand): 5'-CCAACCCACGCCATCCCTTTTCTGCCAAAAGGAGAAGGGGATGAATGAATACAGGACTTA[C>T]GCGTCTGCTGTGGCCCAGCTGGCTTCCAGATGGTGACATGAGCCACCCACAGCCGGAGCT-3'

ClinVar aggregate classification (germline): Uncertain significance (1 of 4 stars; one submission).

Conditions:
GSN-related disorder. Also called: GSN-related condition.

gnomAD v4.1: 272 of 1,272,164 alleles (0.021%); highest among the groups gnomAD compares: Non-Finnish European, 0.026%; 1 homozygote.

Submission:

PreventionGenetics, part of Exact Sciences
Classification: Uncertain significance for GSN-related condition. Last evaluated: 2026-05-30. Review status: criteria provided, single submitter. Criteria: ACMG Guidelines, 2015. Collection method: clinical testing. Allele origin: germline.
Comment: The GSN c.17C>T variant is predicted to result in the amino acid substitution p.Thr6Met. Of note, this variant can be referred to as c.-17394C>T (pre-coding) in the more commonly reported isoform, NM_000177. To our knowledge, this variant has not been reported in the literature. This variant is reported in 0.011% of alleles in individuals of African descent in gnomAD. At this time, the clinical significance of this variant is uncertain due to the absence of conclusive functional and genetic evidence.